The following is an entry in ClinVar:

ClinVar aggregate classification (germline): Uncertain significance. Review status: criteria provided, multiple submitters, no conflicts (2 of 4 stars). 2 submissions from 2 submitters: Uncertain significance (2). Last evaluated 2025-09-16.

Conditions:
Pulmonary fibrosis and/or bone marrow failure, Telomere-related, 3. Also called: PULMONARY FIBROSIS AND/OR BONE MARROW FAILURE SYNDROME, TELOMERE-RELATED, 3. Identifiers: Orphanet 2032, MedGen C4225346, MONDO:0014613, OMIM 616373.
Dyskeratosis congenita, autosomal recessive 5 (DKCB5). Identifiers: MedGen C3554656, MONDO:0014076, OMIM 615190.
Inborn genetic diseases. Identifiers: MedGen C0950123, MeSH D030342.

Submissions (2):

Labcorp Genetics (formerly Invitae), Labcorp
Classification: Uncertain significance for Dyskeratosis congenita, autosomal recessive 5; Pulmonary fibrosis and/or bone marrow failure, Telomere-related, 3. Last evaluated: 2025-09-16. Review status: criteria provided, single submitter. Criteria: Invitae Variant Classification Sherloc (09022015). Collection method: clinical testing. Allele origin: germline.
Comment: This sequence change replaces alanine, which is neutral and non-polar, with threonine, which is neutral and polar, at codon 1082 of the RTEL1 protein (p.Ala1082Thr). This variant is not present in population databases (gnomAD no frequency). This variant has not been reported in the literature in individuals affected with RTEL1-related conditions. ClinVar contains an entry for this variant (Variation ID: 2537199). An algorithm developed to predict the effect of missense changes on protein structure and function (PolyPhen-2) suggests that this variant is likely to be disruptive. In summary, the available evidence is currently insufficient to determine the role of this variant in disease. Therefore, it has been classified as a Variant of Uncertain Significance.

Ambry Genetics
Classification: Uncertain significance for Inborn genetic diseases. Last evaluated: 2023-04-17. Review status: criteria provided, single submitter. Criteria: Ambry Variant Classification Scheme 2023. Collection method: clinical testing. Allele origin: germline.

NM_001283009.2(RTEL1):c.3244G>A (p.Ala1082Thr)

Genes: RTEL1 (regulator of telomere elongation helicase 1; plus strand), RTEL1-TNFRSF6B (RTEL1-TNFRSF6B readthrough (NMD candidate); plus strand). Cytogenetic location: 20q13.33.
Variant type: single nucleotide variant.
Coding change: c.3244G>A on transcript NM_001283009.2 (MANE Select); coding-DNA position 3244, G replaced by A.
Protein change: p.Ala1082Thr; replaces alanine 1082 with threonine.
Molecular consequence: missense variant. On other transcripts: non-coding transcript variant (1).
Genome position (GRCh38, 1-based): chr20:63,694,875, G>A. VCF-style: chr20-63694875-G-A. GRCh37 (hg19) VCF-style: chr20-62326228-G-A.
Other names: c.2575G>A, p.Ala859Thr (NM_001283010.1); c.3244G>A, p.Ala1082Thr (NM_016434.4); c.3316G>A, p.Ala1106Thr (NM_032957.5); short protein forms A1106T, A859T, A1082T.
Identifiers: ClinVar variation 2537199 (VCV002537199.3), dbSNP rs2090931617, ClinGen allele CA409685033.